The following is an entry in ClinVar:

ClinVar aggregate classification (germline): Likely benign (0 of 4 stars; one submission).

Conditions:
ASTN2-related disorder. Also called: ASTN2-related condition.

Allele frequency attached by ClinVar (database versions not stated): gnomAD exomes 0.00005; ExAC 0.00018; 1000 Genomes Project 0.00020; 1000 Genomes Project 30x 0.00031; gnomAD 0.00040; TOPMed 0.00049; ESP Exome Variant Server 0.00054.
gnomAD v4.1: 151 of 1,613,740 alleles (0.0094%); highest among the groups gnomAD compares: African/African-American, 0.14%; 2 homozygotes.

Submission:

PreventionGenetics, part of Exact Sciences
Classification: Likely benign for ASTN2-related condition. Last evaluated: 2019-08-08. Review status: no assertion criteria provided. Collection method: clinical testing. Allele origin: germline.
Comment: This variant is classified as likely benign based on ACMG/AMP sequence variant interpretation guidelines (Richards et al. 2015 PMID: 25741868, with internal and published modifications).

NM_001365068.1(ASTN2):c.3999C>T (p.Tyr1333=)

Gene: ASTN2 (astrotactin 2; minus strand). Cytogenetic location: 9q33.1.
Variant type: single nucleotide variant.
Coding change: c.3999C>T on transcript NM_001365068.1 (MANE Select); coding-DNA position 3999, C replaced by T.
Protein change: p.Tyr1333=; no amino-acid change (tyrosine 1333 retained).
Molecular consequence: synonymous variant. On other transcripts: intron variant (2).
Genome position (GRCh38, 1-based): chr9:116,425,872, G>A on the plus strand (C>T on the coding strand, the complement: ASTN2 is on the minus strand). VCF-style: chr9-116425872-G-A. GRCh37 (hg19) VCF-style: chr9-119188151-G-A.
Other names: c.3987C>T, p.Tyr1329= (NM_001365069.1); c.3846C>T, p.Tyr1282= (NM_014010.5); c.1302C>T, p.Tyr434= (NM_198186.3); c.1155C>T, p.Tyr385= (NM_198187.3); c.1117+38C>T (NM_001184734.1); c.1151+4C>T (NM_198188.2).
Identifiers: ClinVar variation 3035080 (VCV003035080.2), dbSNP rs143087005, ClinGen allele CA5210519.